The following is an entry in ClinVar:

NM_020937.4(FANCM):c.5481C>G (p.Ile1827Met)

Gene: FANCM (FA complementation group M; plus strand). Cytogenetic location: 14q21.2.
Variant type: single nucleotide variant.
Coding change: c.5481C>G on transcript NM_020937.4 (MANE Select); coding-DNA position 5481, C replaced by G.
Protein change: p.Ile1827Met; replaces isoleucine 1827 with methionine.
Molecular consequence: missense variant.
Genome position (GRCh38, 1-based): chr14:45,196,312, C>G. VCF-style: chr14-45196312-C-G. GRCh37 (hg19) VCF-style: chr14-45665515-C-G.
Other names: c.5403C>G, p.Ile1801Met (NM_001308133.2); short protein forms I1801M, I1827M.
Identifiers: ClinVar variation 4871079 (VCV004871079.1).

ClinVar aggregate classification (germline): Uncertain significance (1 of 4 stars; one submission).

Conditions:
Inborn genetic diseases. Identifiers: MedGen C0950123, MeSH D030342.

gnomAD v4.1: 2 of 1,613,958 alleles (0.00012%); highest among the groups gnomAD compares: Non-Finnish European, 0.00017%; no homozygotes.

Submission:

Ambry Genetics
Classification: Uncertain significance for Inborn genetic diseases. Last evaluated: 2026-04-12. Review status: criteria provided, single submitter. Criteria: Ambry Variant Classification Scheme 2023. Collection method: clinical testing. Allele origin: germline.
Comment: The p.I1827M variant (also known as c.5481C>G), located in coding exon 21 of the FANCM gene, results from a C to G substitution at nucleotide position 5481. The isoleucine at codon 1827 is replaced by methionine, an amino acid with highly similar properties. This amino acid position is conserved. In addition, this alteration is predicted to be tolerated by in silico analysis. Based on the available evidence, the clinical significance of this variant remains unclear.